The following is an entry in ClinVar:

NM_000452.3(SLC10A2):c.56G>A (p.Cys19Tyr)

Gene: SLC10A2 (solute carrier family 10 member 2; minus strand). Cytogenetic location: 13q33.1.
Variant type: single nucleotide variant.
Coding change: c.56G>A on transcript NM_000452.3 (MANE Select); coding-DNA position 56, G replaced by A.
Protein change: p.Cys19Tyr; replaces cysteine 19 with tyrosine.
Molecular consequence: missense variant.
Genome position (GRCh38, 1-based): chr13:103,066,194, C>T on the plus strand (G>A on the coding strand, the complement: SLC10A2 is on the minus strand). VCF-style: chr13-103066194-C-T. GRCh37 (hg19) VCF-style: chr13-103718544-C-T.
Other names: short protein forms C19Y.
Identifiers: ClinVar variation 3698306 (VCV003698306.2).

ClinVar aggregate classification (germline): Uncertain significance (1 of 4 stars; one submission).

gnomAD v4.1: 3 of 1,614,100 alleles (0.00019%); highest among the groups gnomAD compares: Non-Finnish European, 0.00025%; no homozygotes.

Submission:

Labcorp Genetics (formerly Invitae), Labcorp
Classification: Uncertain significance. Last evaluated: 2024-08-20. Review status: criteria provided, single submitter. Criteria: Invitae Variant Classification Sherloc (09022015). Collection method: clinical testing. Allele origin: germline.
Comment: This sequence change replaces cysteine, which is neutral and slightly polar, with tyrosine, which is neutral and polar, at codon 19 of the SLC10A2 protein (p.Cys19Tyr). This variant is not present in population databases (gnomAD no frequency). This variant has not been reported in the literature in individuals affected with SLC10A2-related conditions. An algorithm developed to predict the effect of missense changes on protein structure and function (PolyPhen-2) suggests that this variant is likely to be disruptive. In summary, the available evidence is currently insufficient to determine the role of this variant in disease. Therefore, it has been classified as a Variant of Uncertain Significance.